The following is an entry in ClinVar:

NM_032043.3(BRIP1):c.1053A>G (p.Pro351=)

Gene: BRIP1 (BRCA1 interacting DNA helicase 1; minus strand). Cytogenetic location: 17q23.2.
Variant type: single nucleotide variant.
Coding change: c.1053A>G on transcript NM_032043.3 (MANE Select); coding-DNA position 1053, A replaced by G.
Protein change: p.Pro351=; no amino-acid change (proline 351 retained).
Molecular consequence: synonymous variant.
Genome position (GRCh38, 1-based): chr17:61,801,340, T>C on the plus strand (A>G on the coding strand, the complement: BRIP1 is on the minus strand). VCF-style: chr17-61801340-T-C. GRCh37 (hg19) VCF-style: chr17-59878701-T-C.
Identifiers: ClinVar variation 185675 (VCV000185675.24), dbSNP rs544977115, ClinGen allele CA192584.
Genomic context (GRCh38, chr17:61,801,340, plus strand): 5'-ATAGTTGTAGGGACAAAATATGATGTCAGCATCTTGTATTAGTTCTCGGGCTGTGTAATA[T>C]GGACAGGCCTTTAGTTTCTTCCCCAGGCTGACAAGTTCTTCTATATCCCAGGCTTTGCAC-3'
Protein context (NP_114432.2, residues 341-361): VSLGKKLKAC[Pro351=]YYTARELIQD

ClinVar aggregate classification (germline): Benign/Likely benign. Review status: criteria provided, multiple submitters, no conflicts (2 of 4 stars). 7 submissions from 7 submitters: Benign (1); Likely benign (6). Last evaluated 2026-01-28.

Conditions:
Familial cancer of breast. Also called: BREAST CANCER, FAMILIAL; Hereditary breast cancer; hereditary breast carcinoma. Identifiers: Orphanet 227535, MedGen C0346153, MONDO:0016419, OMIM 114480. Disease mechanism: loss of function.
Fanconi anemia complementation group J. Also called: BRIP1-Related Fanconi Anemia. Identifiers: Orphanet 84, MedGen C1836860, MONDO:0012187, OMIM 609054.
Hereditary cancer-predisposing syndrome. Also called: Hereditary Cancer Syndrome; Neoplastic Syndromes, Hereditary; Tumor predisposition; Hereditary neoplastic syndrome. Identifiers: Orphanet 140162, MedGen C0027672, MeSH D009386, MONDO:0015356.

Allele frequency attached by ClinVar (database versions not stated): gnomAD exomes 0.00001 and 0.00002; ExAC 0.00002; gnomAD 0.00006 and 0.00007; TOPMed 0.00008.
gnomAD v4.1: 21 of 1,614,092 alleles (0.0013%); highest among the groups gnomAD compares: African/African-American, 0.025%; no homozygotes.

Submissions (7):

Labcorp Genetics (formerly Invitae), Labcorp
Classification: Likely benign for Familial cancer of breast; Fanconi anemia complementation group J. Last evaluated: 2026-01-28. Review status: criteria provided, single submitter. Criteria: Invitae Variant Classification Sherloc (09022015). Collection method: clinical testing. Allele origin: germline.

Myriad Genetics, Inc.
Classification: Benign for Familial cancer of breast. Last evaluated: 2024-08-22. Review status: criteria provided, single submitter. Criteria: Myriad Autosomal Dominant, Autosomal Recessive and X-Linked Classification Criteria (2023). Collection method: clinical testing. Allele origin: unknown.
Comment: This variant is considered benign. This variant is a silent/synonymous amino acid change and it is not expected to impact splicing.

Quest Diagnostics Nichols Institute San Juan Capistrano
Classification: Likely benign. Last evaluated: 2023-03-17. Review status: criteria provided, single submitter. Criteria: Quest Diagnostics criteria. Collection method: clinical testing. Allele origin: unknown.

GeneDx
Classification: Likely benign. Last evaluated: 2020-11-30. Review status: criteria provided, single submitter. Criteria: GeneDx Variant Classification Process June 2021. Collection method: clinical testing. Allele origin: germline. Affected: yes.

Women's Health and Genetics/Laboratory Corporation of America, LabCorp
Classification: Likely benign. Last evaluated: 2020-11-06. Review status: criteria provided, single submitter. Criteria: LabCorp Variant Classification Summary - May 2015. Collection method: clinical testing. Allele origin: germline.

Color Diagnostics, LLC DBA Color Health
Classification: Likely benign for Hereditary cancer-predisposing syndrome. Last evaluated: 2017-10-28. Review status: criteria provided, single submitter. Criteria: ACMG Guidelines, 2015. Collection method: clinical testing. Allele origin: germline.

Ambry Genetics
Classification: Likely benign for Hereditary cancer-predisposing syndrome. Last evaluated: 2014-08-11. Review status: criteria provided, single submitter. Criteria: Ambry Variant Classification Scheme 2023. Collection method: clinical testing. Allele origin: germline.